The following is an entry in ClinVar:

ClinVar aggregate classification (germline): Benign (0 of 4 stars; one submission).

Conditions:
GAS2L2-related disorder. Also called: GAS2L2-related condition.

Allele frequency attached by ClinVar (database versions not stated): 1000 Genomes Project 30x 0.00031; 1000 Genomes Project 0.00040.
gnomAD v4.1: 308 of 1,612,808 alleles (0.019%); highest among the groups gnomAD compares: Admixed American, 0.5%; 2 homozygotes.

Submission:

PreventionGenetics, part of Exact Sciences
Classification: Benign for GAS2L2-related condition. Last evaluated: 2019-12-24. Review status: no assertion criteria provided. Collection method: clinical testing. Allele origin: germline.
Comment: This variant is classified as benign based on ACMG/AMP sequence variant interpretation guidelines (Richards et al. 2015 PMID: 25741868, with internal and published modifications).

NM_139285.4(GAS2L2):c.2342G>C (p.Arg781Pro)

Gene: GAS2L2 (growth arrest specific 2 like 2; minus strand). Cytogenetic location: 17q12.
Variant type: single nucleotide variant.
Coding change: c.2342G>C on transcript NM_139285.4 (MANE Select); coding-DNA position 2342, G replaced by C.
Protein change: p.Arg781Pro; replaces arginine 781 with proline.
Molecular consequence: missense variant.
Genome position (GRCh38, 1-based): chr17:35,745,155, C>G on the plus strand (G>C on the coding strand, the complement: GAS2L2 is on the minus strand). VCF-style: chr17-35745155-C-G. GRCh37 (hg19) VCF-style: chr17-34072174-C-G.
Other names: short protein forms R781P.
Identifiers: ClinVar variation 3039778 (VCV003039778.2), dbSNP rs144720767, ClinGen allele CA8505873.